The following is an entry in ClinVar:

ClinVar aggregate classification (germline): Uncertain significance (1 of 4 stars; one submission).

Submission:

GeneDx
Classification: Uncertain significance. Last evaluated: 2023-02-09. Review status: criteria provided, single submitter. Criteria: GeneDx Variant Classification Process June 2021. Collection method: clinical testing. Allele origin: germline. Affected: yes.
Comment: Not observed at significant frequency in large population cohorts (gnomAD); In silico analysis supports that this missense variant has a deleterious effect on protein structure/function; Has not been previously published as pathogenic or benign to our knowledge

NM_001172509.2(SATB2):c.236A>G (p.Glu79Gly)

Gene: SATB2 (SATB homeobox 2; minus strand). Cytogenetic location: 2q33.1.
Variant type: single nucleotide variant.
Coding change: c.236A>G on transcript NM_001172509.2 (MANE Select); coding-DNA position 236, A replaced by G.
Protein change: p.Glu79Gly; replaces glutamic acid 79 with glycine.
Molecular consequence: missense variant. On other transcripts: non-coding transcript variant (1).
Genome position (GRCh38, 1-based): chr2:199,433,448, T>C on the plus strand (A>G on the coding strand, the complement: SATB2 is on the minus strand). VCF-style: chr2-199433448-T-C. GRCh37 (hg19) VCF-style: chr2-200298171-T-C.
Other names: c.236A>G, p.Glu79Gly (NM_001172517.1, NM_015265.4); short protein forms E79G.
Identifiers: ClinVar variation 2576681 (VCV002576681.1), dbSNP rs2469034184, ClinGen allele CA350386849.